The following is an entry in ClinVar:

NM_015189.3(EXOC6B):c.2196A>G (p.Gln732=)

Gene: EXOC6B (exocyst complex component 6B; minus strand). Cytogenetic location: 2p13.2.
Variant type: single nucleotide variant.
Coding change: c.2196A>G on transcript NM_015189.3 (MANE Select); coding-DNA position 2196, A replaced by G.
Protein change: p.Gln732=; no amino-acid change (glutamine 732 retained).
Molecular consequence: synonymous variant. On other transcripts: non-coding transcript variant (1).
Genome position (GRCh38, 1-based): chr2:72,334,947, T>C on the plus strand (A>G on the coding strand, the complement: EXOC6B is on the minus strand). VCF-style: chr2-72334947-T-C. GRCh37 (hg19) VCF-style: chr2-72562076-T-C.
Other names: c.2196A>G, p.Gln732= (NM_001321729.2, NM_001321731.2); c.2061A>G, p.Gln687= (NM_001321730.2, NM_001321733.2); c.1857A>G, p.Gln619= (NM_001321734.2).
Identifiers: ClinVar variation 1466793 (VCV001466793.8), dbSNP rs1688604578, ClinGen allele CA426741515.

ClinVar aggregate classification (germline): Uncertain significance (1 of 4 stars; one submission).

Allele frequency attached by ClinVar (database versions not stated): gnomAD exomes below 0.00001; TOPMed below 0.00001.
gnomAD v4.1: 10 of 1,613,198 alleles (0.00062%); highest among the groups gnomAD compares: Non-Finnish European, 0.00034%; no homozygotes.

Submission:

Labcorp Genetics (formerly Invitae), Labcorp
Classification: Uncertain significance. Last evaluated: 2023-08-04. Review status: criteria provided, single submitter. Criteria: Invitae Variant Classification Sherloc (09022015). Collection method: clinical testing. Allele origin: germline.
Comment: In summary, the available evidence is currently insufficient to determine the role of this variant in disease. Therefore, it has been classified as a Variant of Uncertain Significance. This sequence change affects codon 732 of the EXOC6B mRNA. It is a 'silent' change, meaning that it does not change the encoded amino acid sequence of the EXOC6B protein. It affects a nucleotide within the consensus splice site. This variant is not present in population databases (gnomAD no frequency). This variant has not been reported in the literature in individuals affected with EXOC6B-related conditions. ClinVar contains an entry for this variant (Variation ID: 1466793). Experimental studies and prediction algorithms are not available or were not evaluated, and the functional significance of this variant is currently unknown. Algorithms developed to predict the effect of sequence changes on RNA splicing suggest that this variant is not likely to affect RNA splicing.